The following is an entry in ClinVar:

ClinVar aggregate classification (germline): Conflicting classifications of pathogenicity. Review status: criteria provided, conflicting classifications (1 of 4 stars). 5 submissions from 5 submitters: Pathogenic (1); Likely pathogenic (3); Uncertain significance (1). Last evaluated 2025-10-24.

Conditions:
Bardet-Biedl syndrome (BBS). Identifiers: Orphanet 110, MedGen C0752166, MONDO:0015229.
TRIM32-related disorder. Also called: TRIM32-related condition.
Sarcotubular myopathy (LGMDR8). Also called: Limb-girdle muscular dystrophy, type 2H; MUSCULAR DYSTROPHY, LIMB-GIRDLE, AUTOSOMAL RECESSIVE 8; Autosomal recessive limb-girdle muscular dystrophy type 2H; Hutterite type of muscular dystrophy. Identifiers: Orphanet 1878, MedGen C0270968, MONDO:0009683, OMIM 254110.
Bardet-Biedl syndrome 11 (BBS11). Identifiers: Orphanet 110, MedGen C1859569, MONDO:0014439, OMIM 615988.

Allele frequency attached by ClinVar (database versions not stated): gnomAD 0.00001 and 0.00003; gnomAD exomes 0.00001 and 0.00002; TOPMed 0.00001; ExAC 0.00002.
gnomAD v4.1: 26 of 1,613,296 alleles (0.0016%); highest among the groups gnomAD compares: Admixed American, 0.005%; no homozygotes.

Submissions (5):

PreventionGenetics, part of Exact Sciences
Classification: Likely pathogenic for TRIM32-related condition. Last evaluated: 2025-10-24. Review status: criteria provided, single submitter. Criteria: ACMG Guidelines, 2015. Collection method: clinical testing. Allele origin: germline.
Comment: The TRIM32 c.1771G>A variant is predicted to result in the amino acid substitution p.Val591Met. This variant has been reported in the homozygous state in three patients from a consanguineous Spanish family affected with muscular dystrophy (Servián-Morilla et al, 2019. PubMed ID: 30823891). Functional studies using patient tissue and primary myoblasts revealed a significant reduction in TRIM32 protein levels compared to controls (Servián-Morilla et al. 2019. PubMed ID: 30823891). This variant is reported in 0.0056% of alleles in individuals of Latino descent in gnomAD. This variant is interpreted as likely pathogenic.

Labcorp Genetics (formerly Invitae), Labcorp
Classification: Pathogenic for Bardet-Biedl syndrome. Last evaluated: 2024-04-18. Review status: criteria provided, single submitter. Criteria: Invitae Variant Classification Sherloc (09022015). Collection method: clinical testing. Allele origin: germline.
Comment: This sequence change replaces valine, which is neutral and non-polar, with methionine, which is neutral and non-polar, at codon 591 of the TRIM32 protein (p.Val591Met). This variant is present in population databases (rs753866301, gnomAD 0.006%). This missense change has been observed in individual(s) with TRIM32-related muscular dystrophy (PMID: 30823891). It has also been observed to segregate with disease in related individuals. ClinVar contains an entry for this variant (Variation ID: 1069605). An algorithm developed to predict the effect of missense changes on protein structure and function (PolyPhen-2) suggests that this variant is likely to be disruptive. Experimental studies have shown that this missense change affects TRIM32 function (PMID: 30823891). For these reasons, this variant has been classified as Pathogenic.

Blueprint Genetics
Classification: Likely pathogenic for TRIM32-related disorders. Last evaluated: 2023-01-24. Review status: criteria provided, single submitter. Criteria: ACMG Guidelines, 2015. Collection method: clinical testing. Allele origin: germline. Affected: yes. Observed: 2 variant alleles.

Fulgent Genetics
Classification: Likely pathogenic for Sarcotubular myopathy; Bardet-Biedl syndrome 11. Last evaluated: 2021-10-22. Review status: criteria provided, single submitter. Criteria: ACMG Guidelines, 2015. Collection method: clinical testing. Allele origin: unknown.

Revvity Omics, Revvity
Classification: Uncertain significance. Last evaluated: 2021-02-24. Review status: criteria provided, single submitter. Criteria: ACMG Guidelines, 2015. Collection method: clinical testing. Allele origin: germline.

Literature cited by the submitters: PubMed 30823891 (cited by Labcorp Genetics (formerly Invitae), Labcorp).

NM_012210.4(TRIM32):c.1771G>A (p.Val591Met)

Genes: ASTN2 (astrotactin 2; minus strand), TRIM32 (tripartite motif containing 32; plus strand). Cytogenetic location: 9q33.1.
Variant type: single nucleotide variant.
Coding change: c.1771G>A on transcript NM_012210.4 (MANE Select); coding-DNA position 1771, G replaced by A.
Protein change: p.Val591Met; replaces valine 591 with methionine.
Molecular consequence: missense variant. On other transcripts: intron variant (3).
Genome position (GRCh38, 1-based): chr9:116,699,513, G>A. VCF-style: chr9-116699513-G-A. GRCh37 (hg19) VCF-style: chr9-119461792-G-A.
Other names: c.1771G>A, p.Val591Met (NM_001099679.2, NM_001379048.1, NM_001379049.1 and 1 more transcripts); c.2653+26258C>T (NM_014010.5); c.2794+26258C>T (NM_001365069.1); c.2806+26258C>T (NM_001365068.1); short protein forms V591M.
Identifiers: ClinVar variation 1069605 (VCV001069605.15), dbSNP rs753866301, ClinGen allele CA5211209.